The following is an entry in ClinVar:

NM_152564.5(VPS13B):c.10558_10561del (p.Phe3520fs)

Gene: VPS13B (vacuolar protein sorting 13 homolog B; plus strand). Cytogenetic location: 8q22.2.
Variant type: Microsatellite.
Coding change: c.10558_10561del on transcript NM_152564.5 (MANE Select); coding-DNA positions 10558 to 10561, 4 bases deleted (TTTG; older notation c.10558_10561delTTTG).
Protein change: p.Phe3520fs; shifts the reading frame from phenylalanine 3520.
Molecular consequence: frameshift variant.
Genome position (GRCh38, 1-based): chr8:99,853,947-99,853,950, TTTG deleted; deleting any 4 consecutive bases within chr8:99,853,943-99,853,950 gives the same sequence; the c. name uses the placement nearest the transcript's 3' end. VCF-style (leftmost placement, unchanged base first): chr8-99853942-CTTTG-C. GRCh37 (hg19) VCF-style: chr8-100866170-CTTTG-C.
Other names: c.10633_10636del, p.Phe3545fs (NM_017890.5); short protein forms F3520fs, F3545fs.
Identifiers: ClinVar variation 635086 (VCV000635086.7), dbSNP rs1354326532, ClinGen allele CA583848175.
Genomic context (GRCh38, chr8:99,853,942, plus strand): 5'-GCTTTGAATTAAAACCTGCTCGGTTATACGTGGAAGACACATTTGTATACTACATCAAGA[CTTTG>C]TTTGACACCTACCTTCCTAACAGCAGGTTGGCTGGTCACTCCACACACCTCTCCGGGGGT-3'

ClinVar aggregate classification (germline): Pathogenic/Likely pathogenic. Review status: criteria provided, multiple submitters, no conflicts (2 of 4 stars). 2 submissions from 2 submitters: Pathogenic (1); Likely pathogenic (1). Last evaluated 2020-10-26.

Conditions:
Cohen syndrome (COH1). Also called: PEPPER SYNDROME; Cutis verticis gyrata, retinitis pigmentosa, and sensorineural deafness. Identifiers: Orphanet 193, MedGen C0265223, MONDO:0008999, OMIM 216550.

Submissions (2):

Labcorp Genetics (formerly Invitae), Labcorp
Classification: Pathogenic for Cohen syndrome. Last evaluated: 2020-10-26. Review status: criteria provided, single submitter. Criteria: Invitae Variant Classification Sherloc (09022015). Collection method: clinical testing. Allele origin: germline.
Comment: This variant is not present in population databases (ExAC no frequency). For these reasons, this variant has been classified as Pathogenic. This variant has not been reported in the literature in individuals with VPS13B-related conditions. This sequence change creates a premature translational stop signal (p.Phe3545Thrfs*35) in the VPS13B gene. It is expected to result in an absent or disrupted protein product. Loss-of-function variants in VPS13B are known to be pathogenic (PMID: 15141358, 16648375, 20461111).

Broad Center for Mendelian Genomics, Broad Institute of MIT and Harvard
Classification: Likely pathogenic for Cohen syndrome. Last evaluated: 2018-06-15. Review status: criteria provided, single submitter. Criteria: ACMG Guidelines, 2015. Collection method: research. Allele origin: germline. Inheritance: Autosomal recessive inheritance. Affected: yes.
Comment: This variant has been identified in <0.01% (1/15010) of European (Non-Finnish) chromosomes by the Genome Aggregation Database (gnomAD). Although this variant has been seen in the general population, its frequency is low enough to be consistent with a recessive carrier frequency. Loss of function of the VPS13B gene is an established disease mechanism in autosomal recessive Cohen syndrome, and this is a loss of function variant. In summary, although additional studies are required to fully establish its pathogenicity, this variant is likely pathogenic.

Literature cited by the submitters: PubMed 15141358 (cited by Labcorp Genetics (formerly Invitae), Labcorp); PubMed 16648375 (cited by Labcorp Genetics (formerly Invitae), Labcorp); PubMed 20461111 (cited by Labcorp Genetics (formerly Invitae), Labcorp).